The following is an entry in ClinVar:

NM_005956.4(MTHFD1):c.2648G>A (p.Gly883Asp)

Genes: MTHFD1 (methylenetetrahydrofolate dehydrogenase, cyclohydrolase and formyltetrahydrofolate synthetase 1; plus strand), ZBTB25 (zinc finger and BTB domain containing 25; minus strand). Cytogenetic location: 14q23.3.
Variant type: single nucleotide variant.
Coding change: c.2648G>A on transcript NM_005956.4 (MANE Select); coding-DNA position 2648, G replaced by A.
Protein change: p.Gly883Asp; replaces glycine 883 with aspartic acid.
Molecular consequence: missense variant. On other transcripts: intron variant (1).
Genome position (GRCh38, 1-based): chr14:64,454,805, G>A. VCF-style: chr14-64454805-G-A. GRCh37 (hg19) VCF-style: chr14-64921523-G-A.
Other names: c.2648G>A, p.Gly883Asp (NM_001364837.1); c.174-5167C>T (NM_001304508.1); short protein forms G883D.
Identifiers: ClinVar variation 1418388 (VCV001418388.8), dbSNP rs1287071530, ClinGen allele CA390003611.
Genomic context (GRCh38, chr14:64,454,805, plus strand): 5'-GCATGGCTAAAACACACTTGTCTTTGTCTCACAACCCAGAGCAAAAAGGTGTCCCTACAG[G>A]CTTCATTCTGCCCATTCGCGACATCCGCGCCAGCGTTGGGGCTGGTTTTCTGTACCCCTT-3'
Protein context (NP_005947.3, residues 873-893): HNPEQKGVPT[Gly883Asp]FILPIRDIRA

ClinVar aggregate classification (germline): Uncertain significance (1 of 4 stars; one submission).

Allele frequency attached by ClinVar (database versions not stated): gnomAD 0.00001; TOPMed 0.00001; gnomAD exomes below 0.00001.
gnomAD v4.1: 3 of 1,614,014 alleles (0.00019%); highest among the groups gnomAD compares: Non-Finnish European, 0.00025%; no homozygotes.

Submission:

Labcorp Genetics (formerly Invitae), Labcorp
Classification: Uncertain significance. Last evaluated: 2022-08-16. Review status: criteria provided, single submitter. Criteria: Invitae Variant Classification Sherloc (09022015). Collection method: clinical testing. Allele origin: germline.
Comment: In summary, the available evidence is currently insufficient to determine the role of this variant in disease. Therefore, it has been classified as a Variant of Uncertain Significance. Algorithms developed to predict the effect of missense changes on protein structure and function are either unavailable or do not agree on the potential impact of this missense change (SIFT: "Deleterious"; PolyPhen-2: "Possibly Damaging"; Align-GVGD: "Class C0"). ClinVar contains an entry for this variant (Variation ID: 1418388). This variant has not been reported in the literature in individuals affected with MTHFD1-related conditions. This variant is not present in population databases (gnomAD no frequency). This sequence change replaces glycine, which is neutral and non-polar, with aspartic acid, which is acidic and polar, at codon 883 of the MTHFD1 protein (p.Gly883Asp).